The following is an entry in ClinVar:

ClinVar aggregate classification (germline): Uncertain significance (1 of 4 stars; one submission).

Conditions:
CHARGE syndrome (CHARGE). Also called: Coloboma, heart anomaly, choanal atresia, retardation, genital and ear anomalies; CHARGE association; Hall-Hittner syndrome; Hittner Hirsch Kreh syndrome; CHARGE ASSOCIATION--COLOBOMA, HEART ANOMALY, CHOANAL ATRESIA, RETARDATION, GENITAL AND EAR ANOMALIES. Identifiers: Orphanet 138, MedGen C0265354, MONDO:0008965.

Allele frequency attached by ClinVar (database versions not stated): ExAC 0.00001; gnomAD exomes 0.00001 and 0.00002.
gnomAD v4.1: 3 of 1,609,038 alleles (0.00019%); highest among the groups gnomAD compares: Admixed American, 0.005%; no homozygotes.

Submission:

Labcorp Genetics (formerly Invitae), Labcorp
Classification: Uncertain significance for CHARGE syndrome. Last evaluated: 2021-02-15. Review status: criteria provided, single submitter. Criteria: Invitae Variant Classification Sherloc (09022015). Collection method: clinical testing. Allele origin: germline.
Comment: In summary, the available evidence is currently insufficient to determine the role of this variant in disease. Therefore, it has been classified as a Variant of Uncertain Significance. This sequence change replaces methionine with isoleucine at codon 471 of the SEMA3E protein (p.Met471Ile). The methionine residue is weakly conserved and there is a small physicochemical difference between methionine and isoleucine. This variant is present in population databases (rs752959572, ExAC 0.009%). This variant has not been reported in the literature in individuals with SEMA3E-related conditions. Algorithms developed to predict the effect of missense changes on protein structure and function (SIFT, PolyPhen-2, Align-GVGD) all suggest that this variant is likely to be tolerated, but these predictions have not been confirmed by published functional studies and their clinical significance is uncertain.

NM_012431.3(SEMA3E):c.1413G>A (p.Met471Ile)

Gene: SEMA3E (semaphorin 3E; minus strand). Cytogenetic location: 7q21.11.
Variant type: single nucleotide variant.
Coding change: c.1413G>A on transcript NM_012431.3 (MANE Select); coding-DNA position 1413, G replaced by A.
Protein change: p.Met471Ile; replaces methionine 471 with isoleucine.
Molecular consequence: missense variant.
Genome position (GRCh38, 1-based): chr7:83,396,683, C>T on the plus strand (G>A on the coding strand, the complement: SEMA3E is on the minus strand). VCF-style: chr7-83396683-C-T. GRCh37 (hg19) VCF-style: chr7-83025999-C-T.
Other names: c.1233G>A, p.Met411Ile (NM_001178129.2); short protein forms M471I, M411I.
Identifiers: ClinVar variation 1484005 (VCV001484005.8), dbSNP rs752959572, ClinGen allele CA4322032.